The following is an entry in ClinVar:

NM_001454.4(FOXJ1):c.709del (p.Arg237fs)

Gene: FOXJ1 (forkhead box J1; minus strand). Cytogenetic location: 17q25.1.
Variant type: Deletion.
Coding change: c.709del on transcript NM_001454.4 (MANE Select); coding-DNA position 709, one base deleted (C; older notation c.709delC).
Protein change: p.Arg237fs; shifts the reading frame from arginine 237.
Molecular consequence: frameshift variant.
Genome position (GRCh38, 1-based): chr17:76,137,910, G deleted on the plus strand (C on the coding strand, the reverse complement: FOXJ1 is on the minus strand); the first of 5 consecutive G bases (chr17:76,137,910-76,137,914); deleting any one gives the same sequence. VCF-style (leftmost placement, unchanged base first): chr17-76137909-CG-C. GRCh37 (hg19) VCF-style: chr17-74133990-CG-C.
Other names: short protein forms R237fs.
Identifiers: ClinVar variation 4850985 (VCV004850985.2).

ClinVar aggregate classification (germline): Likely pathogenic (1 of 4 stars; one submission).

Conditions:
Ciliary dyskinesia, primary, 43. Also called: CILIARY DYSKINESIA, PRIMARY, 43, WITH OR WITHOUT SITUS INVERSUS. Identifiers: MedGen C5231466, MONDO:0032874, OMIM 618699.

Submission:

The Research Institute of Tuberculosis, Japan Anti-Tuberculosis Association
Classification: Likely pathogenic for Ciliary dyskinesia, primary, 43. Last evaluated: 2026-05-19. Review status: criteria provided, single submitter. Criteria: ACMG Guidelines, 2015. Collection method: research. Allele origin: germline. Inheritance: Autosomal dominant inheritance. Affected: yes. Observed: 1 variant allele.
Comment: ACMG/AMP guidelines were applied for SNV/indel interpretation. Final classification: Likely pathogenic. This variant is a null variant (FRAMESHIFT) in a gene where loss of function is an established mechanism of disease, supporting PVS1. This variant is absent or present at extremely low frequency in population databases (gnomAD: exome 0; genome 0), supporting PM2. Evidence (ACMG/AMP criteria): PVS1, PM2. These findings were consistent with primary ciliary dyskinesia (PCD).

Literature cited by the submitters: PubMed 37813609.